The following is an entry in ClinVar:

NM_052947.4(ALPK2):c.4766G>C (p.Gly1589Ala)

Genes: ALPK2 (alpha kinase 2; minus strand), LOC126862764 (BRD4-independent group 4 enhancer GRCh37_chr18:56202574-56203773; plus strand). Cytogenetic location: 18q21.31.
Variant type: single nucleotide variant.
Coding change: c.4766G>C on transcript NM_052947.4 (MANE Select); coding-DNA position 4766, G replaced by C.
Protein change: p.Gly1589Ala; replaces glycine 1589 with alanine.
Molecular consequence: missense variant.
Genome position (GRCh38, 1-based): chr18:58,535,421, C>G on the plus strand (G>C on the coding strand, the complement: ALPK2 is on the minus strand). VCF-style: chr18-58535421-C-G. GRCh37 (hg19) VCF-style: chr18-56202653-C-G.
Other names: short protein forms G1589A.
Identifiers: ClinVar variation 2497267 (VCV002497267.2), dbSNP rs764301194, ClinGen allele CA8976638.

ClinVar aggregate classification (germline): Uncertain significance (1 of 4 stars; one submission).

Allele frequency attached by ClinVar (database versions not stated): gnomAD exomes below 0.00001; ExAC 0.00001; TOPMed 0.00001; gnomAD 0.00003.
gnomAD v4.1: 6 of 1,614,044 alleles (0.00037%); highest among the groups gnomAD compares: African/African-American, 0.0053%; no homozygotes.

Submission:

Ambry Genetics
Classification: Uncertain significance. Last evaluated: 2022-12-18. Review status: criteria provided, single submitter. Criteria: Ambry Variant Classification Scheme 2023. Collection method: clinical testing. Allele origin: germline.
Comment: The p.G1589A variant (also known as c.4766G>C), located in coding exon 4 of the ALPK2 gene, results from a G to C substitution at nucleotide position 4766. The glycine at codon 1589 is replaced by alanine, an amino acid with similar properties. This amino acid position is conserved. In addition, this alteration is predicted to be tolerated by in silico analysis. Since supporting evidence is limited at this time, the clinical significance of this alteration remains unclear.